The following is an entry in ClinVar:

ClinVar aggregate classification (germline): Conflicting classifications of pathogenicity. Review status: criteria provided, conflicting classifications (1 of 4 stars). 3 submissions from 3 submitters: Uncertain significance (1); Likely benign (2). Last evaluated 2025-04-15.

Conditions:
Autosomal recessive nonsyndromic hearing loss 3. Also called: NEUROSENSORY NONSYNDROMIC RECESSIVE DEAFNESS 3. Identifiers: Orphanet 90636, MedGen C1838263, MONDO:0010860, OMIM 600316.

Allele frequency attached by ClinVar (database versions not stated): gnomAD 0.00003; TOPMed 0.00003.

Submissions (3):

Labcorp Genetics (formerly Invitae), Labcorp
Classification: Likely benign. Last evaluated: 2025-04-15. Review status: criteria provided, single submitter. Criteria: Invitae Variant Classification Sherloc (09022015). Collection method: clinical testing. Allele origin: germline.

Illumina Laboratory Services, Illumina
Classification: Uncertain significance for Autosomal recessive nonsyndromic hearing loss 3. Last evaluated: 2018-01-13. Review status: criteria provided, single submitter. Criteria: ICSL Variant Classification Criteria 13 December 2019. Collection method: clinical testing. Allele origin: germline.

Laboratory for Molecular Medicine, Mass General Brigham Personalized Medicine
Classification: Likely benign. Last evaluated: 2014-08-05. Review status: criteria provided, single submitter. Criteria: LMM Criteria. Collection method: clinical testing. Allele origin: germline. Observed: 1 variant allele.
Comment: Arg1214Arg in exon 3 of MYO15A: This variant is not expected to have clinical si gnificance because it does not alter an amino acid residue, and it is not locate d within the splice consensus sequence.

NM_016239.4(MYO15A):c.3640C>A (p.Arg1214=)

Gene: MYO15A (myosin XVA; plus strand). Cytogenetic location: 17p11.2.
Variant type: single nucleotide variant.
Coding change: c.3640C>A on transcript NM_016239.4 (MANE Select); coding-DNA position 3640, C replaced by A.
Protein change: p.Arg1214=; no amino-acid change (arginine 1214 retained).
Molecular consequence: synonymous variant.
Genome position (GRCh38, 1-based): chr17:18,124,513, C>A. VCF-style: chr17-18124513-C-A. GRCh37 (hg19) VCF-style: chr17-18027827-C-A.
Identifiers: ClinVar variation 179931 (VCV000179931.11), dbSNP rs201056676, ClinGen allele CA185454.